The following is an entry in ClinVar:

ClinVar aggregate classification (germline): Conflicting classifications of pathogenicity. Review status: criteria provided, conflicting classifications (1 of 4 stars). 6 submissions from 6 submitters: Uncertain significance (1); Benign (1); Likely benign (3). 1 of the submissions does not count toward it. Last evaluated 2026-01-28.

Conditions:
AMPD1-related disorder. Also called: AMPD1-related condition.
Muscle AMP deaminase deficiency (MMDD). Also called: Myoadenylate deaminase deficiency, myopathy due to; Adenosine monophosphate deaminase 1 deficiency; AMP deaminase 1 deficiency; Adenosine Monophosphate Deaminase 1; ADENOSINE MONOPHOSPHATE DEAMINASE-1 DEFICIENCY, MYOPATHY DUE TO; AMPD1 DEFICIENCY. Identifiers: Orphanet 45, MedGen C3714933, MONDO:0014220, OMIM 615511.

Allele frequency attached by ClinVar (database versions not stated): gnomAD exomes 0.00018 and 0.00066; ExAC 0.00081; gnomAD 0.00159 and 0.00162; ESP Exome Variant Server 0.00161; TOPMed 0.00187; 1000 Genomes Project 0.00319; 1000 Genomes Project 30x 0.00390.

Submissions (6):

Labcorp Genetics (formerly Invitae), Labcorp
Classification: Likely benign for Muscle AMP deaminase deficiency. Last evaluated: 2026-01-28. Review status: criteria provided, single submitter. Criteria: Invitae Variant Classification Sherloc (09022015). Collection method: clinical testing. Allele origin: germline.

GeneDx
Classification: Uncertain significance. Last evaluated: 2022-10-20. Review status: criteria provided, single submitter. Criteria: GeneDx Variant Classification Process June 2021. Collection method: clinical testing. Allele origin: germline. Affected: yes.
Comment: In silico analysis supports that this missense variant does not alter protein structure/function; Has not been previously published as pathogenic or benign to our knowledge

Center for Pediatric Genomic Medicine, Children's Mercy Hospital and Clinics
Classification: Likely benign. Last evaluated: 2017-08-28. Review status: criteria provided, single submitter. Criteria: ACMG Guidelines, 2015. Collection method: clinical testing. Allele origin: germline.

Eurofins Ntd Llc (ga)
Classification: Benign. Last evaluated: 2016-03-04. Review status: criteria provided, single submitter. Criteria: EGL Classification Definitions 2015. Collection method: clinical testing. Allele origin: germline. Observed: 2 variant alleles, 2 heterozygotes.

Breakthrough Genomics
Classification: Likely benign. Review status: criteria provided, single submitter. Criteria: ACMG Guidelines, 2015. Collection method: not provided. Allele origin: germline. Inheritance: Autosomal recessive inheritance. Affected: yes.

PreventionGenetics, part of Exact Sciences
Classification: Likely benign for AMPD1-related condition. Last evaluated: 2020-05-20. Review status: no assertion criteria provided. Collection method: clinical testing. Allele origin: germline. Not counted in ClinVar's aggregate classification.
Comment: This variant is classified as likely benign based on ACMG/AMP sequence variant interpretation guidelines (Richards et al. 2015 PMID: 25741868, with internal and published modifications).

NM_000036.3(AMPD1):c.334G>A (p.Val112Met)

Gene: AMPD1 (adenosine monophosphate deaminase 1; minus strand). Cytogenetic location: 1p13.2.
Variant type: single nucleotide variant.
Coding change: c.334G>A on transcript NM_000036.3 (MANE Select); coding-DNA position 334, G replaced by A.
Protein change: p.Val112Met; replaces valine 112 with methionine.
Molecular consequence: missense variant.
Genome position (GRCh38, 1-based): chr1:114,686,792, C>T on the plus strand (G>A on the coding strand, the complement: AMPD1 is on the minus strand). VCF-style: chr1-114686792-C-T. GRCh37 (hg19) VCF-style: chr1-115229413-C-T.
Other names: c.322G>A, p.Val108Met (NM_001172626.2); short protein forms V145M, V108M, V112M.
Identifiers: ClinVar variation 197097 (VCV000197097.18), dbSNP rs61741025, ClinGen allele CA245050.